The following is an entry in ClinVar:

NM_015338.6(ASXL1):c.3527C>T (p.Pro1176Leu)

Gene: ASXL1 (ASXL transcriptional regulator 1; plus strand). Cytogenetic location: 20q11.21.
Variant type: single nucleotide variant.
Coding change: c.3527C>T on transcript NM_015338.6 (MANE Select); coding-DNA position 3527, C replaced by T.
Protein change: p.Pro1176Leu; replaces proline 1176 with leucine.
Molecular consequence: missense variant.
Genome position (GRCh38, 1-based): chr20:32,436,239, C>T. VCF-style: chr20-32436239-C-T. GRCh37 (hg19) VCF-style: chr20-31024042-C-T.
Other names: c.3344C>T, p.Pro1115Leu (NM_001363734.1); short protein forms P1115L, P1176L.
Identifiers: ClinVar variation 3439922 (VCV003439922.1).

ClinVar aggregate classification (germline): Uncertain significance (1 of 4 stars; one submission).

Conditions:
Inborn genetic diseases. Identifiers: MedGen C0950123, MeSH D030342.

Submission:

Ambry Genetics
Classification: Uncertain significance for Inborn genetic diseases. Last evaluated: 2024-12-09. Review status: criteria provided, single submitter. Criteria: Ambry Variant Classification Scheme 2023. Collection method: clinical testing. Allele origin: germline.
Comment: The p.P1176L variant (also known as c.3527C>T), located in coding exon 13 of the ASXL1 gene, results from a C to T substitution at nucleotide position 3527. The proline at codon 1176 is replaced by leucine, an amino acid with similar properties. This amino acid position is conserved. In addition, this alteration is predicted to be tolerated by in silico analysis. Based on the available evidence, the clinical significance of this variant remains unclear.